The following is an entry in ClinVar:

NM_002878.4(RAD51D):c.83-5T>G

Genes: RAD51D (RAD51 paralog D; minus strand), RAD51L3-RFFL (RAD51L3-RFFL readthrough; minus strand). Cytogenetic location: 17q12.
Variant type: single nucleotide variant.
Coding change: c.83-5T>G on transcript NM_002878.4 (MANE Select); 5 bases into the intron before coding-DNA position 83, T replaced by G.
Molecular consequence: intron variant.
Genome position (GRCh38, 1-based): chr17:35,119,177, A>C on the plus strand (T>G on the coding strand, the complement: RAD51D is on the minus strand). VCF-style: chr17-35119177-A-C. GRCh37 (hg19) VCF-style: chr17-33446196-A-C.
Other names: c.83-5T>G (NM_133629.3, NM_001142571.2).
Identifiers: ClinVar variation 630001 (VCV000630001.12), dbSNP rs1567735928, ClinGen allele CA913188840.
Genomic context (GRCh38, chr17:35,119,177, plus strand): 5'-AGACAAGCCACATTTCTGAGCTACCTCTTCCAGGTCTGCAGAAACCAGGTCCACCACTGA[A>C]AACAAAACACGTATAGCGGATTGGCAGAGAGGACTGGGGCCTCCCACACTTGGTTTTTCC-3'

ClinVar aggregate classification (germline): Uncertain significance. Review status: criteria provided, multiple submitters, no conflicts (2 of 4 stars). 3 submissions from 3 submitters: Uncertain significance (3). Last evaluated 2024-09-16.

Conditions:
Hereditary cancer-predisposing syndrome. Also called: Neoplastic Syndromes, Hereditary; Tumor predisposition; Hereditary neoplastic syndrome; Hereditary Cancer Syndrome. Identifiers: Orphanet 140162, MedGen C0027672, MeSH D009386, MONDO:0015356.
Breast-ovarian cancer, familial, susceptibility to, 4. Identifiers: Orphanet 145, MedGen C3280345, MONDO:0013669, OMIM 614291.

Submissions (3):

Ambry Genetics
Classification: Uncertain significance for Hereditary cancer-predisposing syndrome. Last evaluated: 2024-09-16. Review status: criteria provided, single submitter. Criteria: Ambry Variant Classification Scheme 2023. Collection method: clinical testing. Allele origin: germline.
Comment: The c.83-5T>G intronic variant results from a T to G substitution 5 nucleotides upstream from coding exon 2 in the RAD51D gene. This nucleotide position is highly conserved in available vertebrate species. In silico splice site analysis predicts that this alteration may weaken the native splice acceptor site; however, direct evidence is insufficient at this time (Ambry internal data). Based on the available evidence, the clinical significance of this variant remains unclear.

Labcorp Genetics (formerly Invitae), Labcorp
Classification: Uncertain significance for Breast-ovarian cancer, familial, susceptibility to, 4. Last evaluated: 2022-12-17. Review status: criteria provided, single submitter. Criteria: Invitae Variant Classification Sherloc (09022015). Collection method: clinical testing. Allele origin: germline.
Comment: This variant has not been reported in the literature in individuals affected with RAD51D-related conditions. In summary, the available evidence is currently insufficient to determine the role of this variant in disease. Therefore, it has been classified as a Variant of Uncertain Significance. Algorithms developed to predict the effect of sequence changes on RNA splicing suggest that this variant may disrupt the consensus splice site. ClinVar contains an entry for this variant (Variation ID: 630001). This variant is not present in population databases (gnomAD no frequency). This sequence change falls in intron 1 of the RAD51D gene. It does not directly change the encoded amino acid sequence of the RAD51D protein.

Color Diagnostics, LLC DBA Color Health
Classification: Uncertain significance for Hereditary cancer-predisposing syndrome. Last evaluated: 2022-03-02. Review status: criteria provided, single submitter. Criteria: ACMG Guidelines, 2015. Collection method: clinical testing. Allele origin: germline.
Comment: This variant causes a T to G nucleotide substitution at the -5 position of intron 1 of the RAD51D gene. To our knowledge, functional studies have not been reported for this variant. This variant has not been reported in individuals affected with hereditary cancer in the literature. This variant has not been identified in the general population by the Genome Aggregation Database (gnomAD). The available evidence is insufficient to determine the role of this variant in disease conclusively. Therefore, this variant is classified as a Variant of Uncertain Significance.